The following is an entry in ClinVar:

ClinVar aggregate classification (germline): Pathogenic (1 of 4 stars; one submission).

Conditions:
Congenital anomaly of kidney and urinary tract. Also called: Congenital anomalies of the kidney and urinary tract; Congenital anomalies of kidney and urinary tract. Identifiers: Orphanet 93545, MedGen C1968949, MeSH C566906, MONDO:0019719.

Submission:

Institute of Human Genetics, University of Leipzig Medical Center
Classification: Pathogenic for Congenital anomaly of kidney and urinary tract. Last evaluated: 2021-11-17. Review status: criteria provided, single submitter. Criteria: ACMG Guidelines, 2015. Collection method: clinical testing. Allele origin: maternal. Inheritance: Autosomal recessive inheritance. Affected: yes.
Comment: PVS1_VeryStrong, PM2_Supporting, PM3_Moderate

NM_002941.4(ROBO1):c.2630_2631del (p.Pro877fs)

Gene: ROBO1 (roundabout guidance receptor 1; minus strand). Cytogenetic location: 3p12.3.
Variant type: Deletion.
Coding change: c.2630_2631del on transcript NM_002941.4 (MANE Select); coding-DNA positions 2630 to 2631, 2 bases deleted (CT; older notation c.2630_2631delCT).
Protein change: p.Pro877fs; shifts the reading frame from proline 877.
Molecular consequence: frameshift variant.
Genome position (GRCh38, 1-based): chr3:78,651,913-78,651,914, AG deleted on the plus strand (CT on the coding strand, the reverse complement: ROBO1 is on the minus strand). VCF-style (leftmost placement, unchanged base first): chr3-78651912-CAG-C. GRCh37 (hg19) VCF-style: chr3-78701062-CAG-C.
Other names: c.2522_2523del, p.Pro841fs (NM_001145845.2, NM_133631.4); short protein forms P841fs, P877fs.
Identifiers: ClinVar variation 1321867 (VCV001321867.1), dbSNP rs2107620759, ClinGen allele CA2573052241.
Genomic context (GRCh38, chr3:78,651,912, plus strand): 5'-CCGGCTGCTTCACCACATCTGAAATCTGCTGAGCGAGGCTGACTTGGTCCTCAGGTGACA[CAG>C]GGTTTCCATGGGCATCTGAAAAGTCATCTTCCGATTAATTTGGGTTGAAGACTCAATGCA-3'